The following is an entry in ClinVar:

NM_000384.3(APOB):c.9501A>G (p.Gln3167=)

Gene: APOB (apolipoprotein B; minus strand). Cytogenetic location: 2p24.1.
Variant type: single nucleotide variant.
Coding change: c.9501A>G on transcript NM_000384.3 (MANE Select); coding-DNA position 9501, A replaced by G.
Protein change: p.Gln3167=; no amino-acid change (glutamine 3167 retained).
Molecular consequence: synonymous variant.
Genome position (GRCh38, 1-based): chr2:21,007,367, T>C on the plus strand (A>G on the coding strand, the complement: APOB is on the minus strand). VCF-style: chr2-21007367-T-C. GRCh37 (hg19) VCF-style: chr2-21230239-T-C.
Identifiers: ClinVar variation 695723 (VCV000695723.19), dbSNP rs533171453, ClinGen allele CA43497346.

ClinVar aggregate classification (germline): Likely benign. Review status: criteria provided, multiple submitters, no conflicts (2 of 4 stars). 5 submissions from 5 submitters: Likely benign (2). 3 of the submissions do not count toward it. Last evaluated 2025-03-26.

Conditions:
Cardiovascular phenotype. Identifiers: MedGen CN230736.
Hypercholesterolemia, autosomal dominant, type B (FHCL2). Also called: Familial Hypercholesterolemia Type B; APOB-Related Familial Hypercholesterolemia, Autosomal Dominant; Hyperlipoproteinemia Type IIb; APOLIPOPROTEIN B-100, FAMILIAL DEFECTIVE; APOLIPOPROTEIN B-100, FAMILIAL LIGAND-DEFECTIVE; Familial hypercholesterolemia 2. Identifiers: MedGen C1704417, MONDO:0007751, OMIM 144010.
Familial hypobetalipoproteinemia 1. Also called: APOB-Related Familial Hypobetalipoproteinemia; Hypobetalipoproteinemia, normotriglyceridemic; Acanthocytosis with hypobetalipoproteinemia. Identifiers: MedGen C4551990, MONDO:0014252, OMIM 615558.
APOB-related disorder. Also called: APOB-related disorders; APOB-related condition.

Allele frequency attached by ClinVar (database versions not stated): gnomAD 0.00001; gnomAD exomes 0.00001 and 0.00003; TOPMed 0.00001.
gnomAD v4.1: 46 of 1,613,962 alleles (0.0029%); highest among the groups gnomAD compares: Non-Finnish European, 0.0039%; no homozygotes.

Submissions (5):

Labcorp Genetics (formerly Invitae), Labcorp
Classification: Likely benign for Familial hypobetalipoproteinemia 1; Hypercholesterolemia, autosomal dominant, type B. Last evaluated: 2025-03-26. Review status: criteria provided, single submitter. Criteria: Invitae Variant Classification Sherloc (09022015). Collection method: clinical testing. Allele origin: germline.

Ambry Genetics
Classification: Likely benign for Cardiovascular phenotype. Last evaluated: 2023-07-07. Review status: criteria provided, single submitter. Criteria: Ambry Variant Classification Scheme 2023. Collection method: clinical testing. Allele origin: germline.

PreventionGenetics, part of Exact Sciences
Classification: Likely benign for APOB-related condition. Last evaluated: 2019-07-12. Review status: no assertion criteria provided. Collection method: clinical testing. Allele origin: germline. Not counted in ClinVar's aggregate classification.
Comment: This variant is classified as likely benign based on ACMG/AMP sequence variant interpretation guidelines (Richards et al. 2015 PMID: 25741868, with internal and published modifications).

Clinical Genetics DNA and cytogenetics Diagnostics Lab, Erasmus MC, Erasmus Medical Center
Classification: Likely benign. Review status: no assertion criteria provided. Collection method: clinical testing. Allele origin: germline. Affected: yes. Study: VKGL Data-share Consensus. Not counted in ClinVar's aggregate classification.

Clinical Genetics, Academic Medical Center
Classification: Likely benign. Review status: no assertion criteria provided. Collection method: clinical testing. Allele origin: germline. Affected: yes. Study: VKGL Data-share Consensus. Not counted in ClinVar's aggregate classification.